The following is an entry in ClinVar:

ClinVar aggregate classification (germline): Benign/Likely benign. Review status: criteria provided, multiple submitters, no conflicts (2 of 4 stars). 16 submissions from 16 submitters: Benign (9); Likely benign (1). 6 of the submissions do not count toward it. Last evaluated 2026-02-04.

Conditions:
Cardiovascular phenotype. Identifiers: MedGen CN230736.
Myofibrillar myopathy 5. Also called: Filaminopathy (type); FILAMINOPATHY, AUTOSOMAL DOMINANT. Identifiers: Orphanet 171445, MedGen C1836050, MONDO:0012289, OMIM 609524.
Distal myopathy with posterior leg and anterior hand involvement. Also called: WILLIAMS DISTAL MYOPATHY. Identifiers: Orphanet 63273, MedGen C3279722, MONDO:0013550, OMIM 614065.
Hypertrophic cardiomyopathy 26. Also called: Cardiomyopathy, familial hypertrophic, 26. Identifiers: Orphanet 75249, MedGen C4310749, MONDO:0014883, OMIM 617047.

Allele frequency attached by ClinVar (database versions not stated): gnomAD 0.00786 and 0.00842; ESP Exome Variant Server 0.00849; TOPMed 0.00950; 1000 Genomes Project 0.00998; 1000 Genomes Project 30x 0.01171.
gnomAD v4.1: 2,706 of 1,609,842 alleles (0.17%); highest among the groups gnomAD compares: African/African-American, 2.7%; 29 homozygotes.

Submissions (16):

Labcorp Genetics (formerly Invitae), Labcorp
Classification: Benign for Distal myopathy with posterior leg and anterior hand involvement; Myofibrillar myopathy 5; Hypertrophic cardiomyopathy 26. Last evaluated: 2026-02-04. Review status: criteria provided, single submitter. Criteria: Invitae Variant Classification Sherloc (09022015). Collection method: clinical testing. Allele origin: germline.

ARUP Laboratories, Molecular Genetics and Genomics, ARUP Laboratories
Classification: Benign. Last evaluated: 2025-05-15. Review status: criteria provided, single submitter. Criteria: ARUP Molecular Germline Variant Investigation Process 2024. Collection method: clinical testing. Allele origin: germline.

Molecular Diagnostic Laboratory for Inherited Cardiovascular Disease, Montreal Heart Institute
Classification: Benign. Last evaluated: 2025-04-09. Review status: criteria provided, single submitter. Criteria: ACMG Guidelines, 2015. Collection method: clinical testing. Allele origin: germline. Affected: no.

Blueprint Genetics
Classification: Likely benign. Last evaluated: 2024-11-06. Review status: criteria provided, single submitter. Criteria: ACMG Guidelines, 2015. Collection method: clinical testing. Allele origin: germline.

Athena Diagnostics
Classification: Benign. Last evaluated: 2024-01-31. Review status: criteria provided, single submitter. Criteria: Athena Diagnostics Criteria. Collection method: clinical testing. Allele origin: unknown.

Women's Health and Genetics/Laboratory Corporation of America, LabCorp
Classification: Benign. Last evaluated: 2023-08-19. Review status: criteria provided, single submitter. Criteria: LabCorp Variant Classification Summary - May 2015. Collection method: clinical testing. Allele origin: germline.

Mayo Clinic Laboratories, Mayo Clinic
Classification: Benign. Last evaluated: 2023-08-09. Review status: criteria provided, single submitter. Criteria: ACMG Guidelines, 2015. Collection method: clinical testing. Allele origin: germline. Observed: 15 variant alleles.
Comment: BS1, BS2, BP4, BP7

Ambry Genetics
Classification: Benign for Cardiovascular phenotype. Last evaluated: 2019-01-25. Review status: criteria provided, single submitter. Criteria: Ambry Variant Classification Scheme 2023. Collection method: clinical testing. Allele origin: germline.

GeneDx
Classification: Benign. Last evaluated: 2016-07-07. Review status: criteria provided, single submitter. Criteria: GeneDx Variant Classification (06012015). Collection method: clinical testing. Allele origin: germline. Affected: yes.
Comment: This variant is considered likely benign or benign based on one or more of the following criteria: it is a conservative change, it occurs at a poorly conserved position in the protein, it is predicted to be benign by multiple in silico algorithms, and/or has population frequency not consistent with disease.

Breakthrough Genomics
Classification: Benign. Review status: criteria provided, single submitter. Criteria: ACMG Guidelines, 2015. Collection method: not provided. Allele origin: germline. Inheritance: Autosomal dominant inheritance. Affected: yes.

Clinical Genetics DNA and cytogenetics Diagnostics Lab, Erasmus MC, Erasmus Medical Center
Classification: Benign. Review status: no assertion criteria provided. Collection method: clinical testing. Allele origin: germline. Affected: yes. Study: VKGL Data-share Consensus. Not counted in ClinVar's aggregate classification.

Clinical Genetics, Academic Medical Center
Classification: Benign. Review status: no assertion criteria provided. Collection method: clinical testing. Allele origin: germline. Affected: yes. Study: VKGL Data-share Consensus. Not counted in ClinVar's aggregate classification.

Genetic Services Laboratory, University of Chicago
Classification: Likely benign for AllHighlyPenetrant. Review status: no assertion criteria provided. Collection method: clinical testing. Allele origin: germline. Inheritance: Autosomal dominant inheritance. Not counted in ClinVar's aggregate classification.
Comment: Likely benign based on allele frequency in 1000 Genomes Project or ESP global frequency and its presence in a patient with a rare or unrelated disease phenotype. NOT Sanger confirmed.

Genome Diagnostics Laboratory, University Medical Center Utrecht
Classification: Likely benign. Review status: no assertion criteria provided. Collection method: clinical testing. Allele origin: germline. Affected: yes. Study: VKGL Data-share Consensus. Not counted in ClinVar's aggregate classification.

Joint Genome Diagnostic Labs from Nijmegen and Maastricht, Radboudumc and MUMC+
Classification: Benign. Review status: no assertion criteria provided. Collection method: clinical testing. Allele origin: germline. Affected: yes. Study: VKGL Data-share Consensus. Not counted in ClinVar's aggregate classification.

Laboratory of Diagnostic Genome Analysis, Leiden University Medical Center (LUMC)
Classification: Likely benign. Review status: no assertion criteria provided. Collection method: clinical testing. Allele origin: germline. Affected: yes. Study: VKGL Data-share Consensus. Not counted in ClinVar's aggregate classification.

NM_001458.5(FLNC):c.6771A>G (p.Pro2257=)

Genes: FLNC (filamin C; plus strand), FLNC-AS1 (FLNC antisense RNA 1; minus strand). Cytogenetic location: 7q32.1.
Variant type: single nucleotide variant.
Coding change: c.6771A>G on transcript NM_001458.5 (MANE Select); coding-DNA position 6771, A replaced by G.
Protein change: p.Pro2257=; no amino-acid change (proline 2257 retained).
Molecular consequence: synonymous variant.
Genome position (GRCh38, 1-based): chr7:128,854,456, A>G. VCF-style: chr7-128854456-A-G. GRCh37 (hg19) VCF-style: chr7-128494510-A-G.
Other names: p.Pro2257=; c.6672A>G, p.Pro2224= (NM_001127487.2).
Identifiers: ClinVar variation 129095 (VCV000129095.34), dbSNP rs34422412, ClinGen allele CA152874.
Genomic context (GRCh38, chr7:128,854,456, plus strand): 5'-TCCCCCAAACCCTGCAGGTGAGGCCAGCTCTCAGGACATGACTGCACAGGTGACCAGCCC[A>G]TCGGGCAAGGTGGAAGCCGCAGAGATCGTCGAGGGCGAGGACAGCGCCTACAGCGTGCGC-3'
Protein context (NP_001449.3, residues 2247-2267): SQDMTAQVTS[Pro2257=]SGKVEAAEIV